The following is an entry in ClinVar:

NC_000001.10:g.(?_193172905)_(193219842_?)dup

Gene: CDC73 (cell division cycle 73; plus strand). Cytogenetic location: 1q31.2.
Variant type: Duplication.
Identifiers: ClinVar variation 3247704 (VCV003247704.1).

ClinVar aggregate classification (germline): Uncertain significance (1 of 4 stars; one submission).

Conditions:
Parathyroid carcinoma (PRTC). Also called: Parathyroid gland carcinoma; CDC73-Related Parathyroid Carcinoma. Identifiers: Orphanet 143, MedGen C0687150, MONDO:0012004, OMIM 608266, HP:0006780.

Submission:

Labcorp Genetics (formerly Invitae), Labcorp
Classification: Uncertain significance for Parathyroid carcinoma. Last evaluated: 2023-12-12. Review status: criteria provided, single submitter. Criteria: Invitae Variant Classification Sherloc (09022015). Collection method: clinical testing. Allele origin: unknown.
Comment: This variant results in a copy number gain of the genomic region encompassing exon(s) 11-17 of the CDC73 gene. This region includes the termination codon of the gene. This copy number gain extends beyond the assayed region for this gene and therefore may encompass additional genes. As the precise location of this event is unknown, it may be in tandem or it may be located elsewhere in the genome. This variant has not been reported in the literature in individuals affected with CDC73-related conditions. In summary, the available evidence is currently insufficient to determine the role of this variant in disease. Therefore, it has been classified as a Variant of Uncertain Significance.